The following is an entry in ClinVar:

ClinVar aggregate classification (germline): Uncertain significance (1 of 4 stars; one submission).

Conditions:
Developmental and epileptic encephalopathy, 53. Also called: Epileptic encephalopathy, early infantile, 53. Identifiers: MedGen C4479313, MONDO:0033362, OMIM 617389.
Early-onset Parkinson disease 20. Also called: PARKINSON DISEASE 20, AUTOSOMAL RECESSIVE EARLY-ONSET. Identifiers: Orphanet 391411, MedGen C3809824, MONDO:0014233, OMIM 615530.

Allele frequency attached by ClinVar (database versions not stated): gnomAD exomes below 0.00001.
gnomAD v4.1: 2 of 1,613,930 alleles (0.00012%); highest among the groups gnomAD compares: Non-Finnish European, 0.00017%; no homozygotes.

Submission:

Labcorp Genetics (formerly Invitae), Labcorp
Classification: Uncertain significance for Developmental and epileptic encephalopathy, 53; Early-onset Parkinson disease 20. Last evaluated: 2019-12-11. Review status: criteria provided, single submitter. Criteria: Invitae Variant Classification Sherloc (09022015). Collection method: clinical testing. Allele origin: germline.
Comment: In summary, the available evidence is currently insufficient to determine the role of this variant in disease. Therefore, it has been classified as a Variant of Uncertain Significance. Algorithms developed to predict the effect of missense changes on protein structure and function (SIFT, PolyPhen-2, Align-GVGD) all suggest that this variant is likely to be tolerated, but these predictions have not been confirmed by published functional studies and their clinical significance is uncertain. This variant has not been reported in the literature in individuals with SYNJ1-related conditions. This variant is not present in population databases (ExAC no frequency). This sequence change replaces leucine with valine at codon 1222 of the SYNJ1 protein (p.Leu1222Val). The leucine residue is weakly conserved and there is a small physicochemical difference between leucine and valine.

NM_203446.3(SYNJ1):c.3547C>G (p.Leu1183Val)

Gene: SYNJ1 (synaptojanin 1; minus strand). Cytogenetic location: 21q22.11.
Variant type: single nucleotide variant.
Coding change: c.3547C>G on transcript NM_203446.3 (MANE Select); coding-DNA position 3547, C replaced by G.
Protein change: p.Leu1183Val; replaces leucine 1183 with valine.
Molecular consequence: missense variant.
Genome position (GRCh38, 1-based): chr21:32,641,937, G>C on the plus strand (C>G on the coding strand, the complement: SYNJ1 is on the minus strand). VCF-style: chr21-32641937-G-C. GRCh37 (hg19) VCF-style: chr21-34014247-G-C.
Other names: c.3499C>G, p.Leu1167Val (NM_001160302.2); c.3406C>G, p.Leu1136Val (NM_001160306.2); c.3664C>G, p.Leu1222Val (NM_003895.4); short protein forms L1136V, L1222V, L1167V, L1183V.
Identifiers: ClinVar variation 849387 (VCV000849387.10), dbSNP rs2039857400, ClinGen allele CA410065684.